The following is an entry in ClinVar:

NM_000212.3(ITGB3):c.728A>T (p.Asp243Val)

Gene: ITGB3 (integrin subunit beta 3; plus strand). Cytogenetic location: 17q21.32.
Variant type: single nucleotide variant.
Coding change: c.728A>T on transcript NM_000212.3 (MANE Select); coding-DNA position 728, A replaced by T.
Protein change: p.Asp243Val; replaces aspartic acid 243 with valine.
Molecular consequence: missense variant.
Genome position (GRCh38, 1-based): chr17:47,286,373, A>T. VCF-style: chr17-47286373-A-T. GRCh37 (hg19) VCF-style: chr17-45363739-A-T.
Other names: short protein forms D243V.
Identifiers: ClinVar variation 1210177 (VCV001210177.1), dbSNP rs2143097053, ClinGen allele CA400023604.

ClinVar aggregate classification (germline): Pathogenic (3 of 4 stars; one submission).

Conditions:
Glanzmann thrombasthenia. Also called: BLEEDING DISORDER, PLATELET-TYPE, 2; THROMBASTHENIA OF GLANZMANN AND NAEGELI; PLATELET GLYCOPROTEIN IIb-IIIa DEFICIENCY; Thrombasthenia; Glanzmann's thrombasthenia. Identifiers: Orphanet 849, MedGen C0040015, MONDO:0100326.

Submission:

ClinGen Platelet Disorders Variant Curation Expert Panel, ClinGen
Classification: Pathogenic for Glanzmann thrombasthenia. Last evaluated: 2021-04-20. Review status: reviewed by expert panel. Criteria: ClinGen Platelet ACMG Specifications v2. Collection method: curation. Allele origin: germline. Inheritance: Autosomal recessive inheritance.
Comment: The ITGB3 missense variant NM_000212.3:c.728A>T replaces the aspartic acid residue with a valine residue (p.Asp243Val). This variant has been observed in homozygosity in an individual with a phenotype specific for Glanzmann's thrombasthenia (GT) (PMID: 18832906). In silico tools predict the variant is damaging to protein function and are supported by in vitro studies in CHO cells suggesting the expression of ITGB3 cDNA leads to reduced binding to soluble fibrinogen (25%) and reduced adhesion to immobilized fibrinogen (10%) compared to cells expressing wild type ITGB3 cDNA, despite normal levels of protein on the cell surface (PMID: 18832906). A different missense change at this amino acid residue (c.727G>C, p.Asp243His) has been reported and is provisionally classified by the Platelet Disorders VCEP as likely pathogenic. Furthermore, this variant is absent from control population databases. In summary, this variant meets criteria to be classified as pathogenic for GT. GT-specific criteria applied: PS3, PP4_moderate, PP3, PM2_supporting, PM3_supporting, PM5_supporting.

Literature cited by the submitters: PubMed 18832906.